The following is an entry in ClinVar:

NM_000038.6(APC):c.2520dup (p.Asp842fs)

Gene: APC (APC regulator of Wnt signaling pathway; plus strand). Cytogenetic location: 5q22.2.
Variant type: Duplication.
Coding change: c.2520dup on transcript NM_000038.6 (MANE Select); coding-DNA position 2520, one base duplicated (C; older notation c.2520dupC).
Protein change: p.Asp842fs; shifts the reading frame from aspartic acid 842.
Molecular consequence: frameshift variant. On other transcripts: non-coding transcript variant (2).
Genome position (GRCh38, 1-based): chr5:112,838,114, C duplicated. VCF-style (leftmost placement, unchanged base first): chr5-112838113-G-GC. GRCh37 (hg19) VCF-style: chr5-112173810-G-GC.
Other names: c.2520dup, p.Asp842fs (NM_001127510.3, NM_001354895.2, NM_001407450.1); c.2466dup, p.Asp824fs (NM_001127511.3); c.2574dup, p.Asp860fs (NM_001354896.2, NM_001407447.1, NM_001407448.1 and 1 more transcripts); c.2271dup, p.Asp759fs (NM_001407454.1, NM_001407455.1, NM_001407456.1 and 1 more transcripts); c.2217dup, p.Asp741fs (NM_001407458.1, NM_001407459.1, NM_001407460.1 and 1 more transcripts); c.2133dup, p.Asp713fs (NM_001407467.1, NM_001407469.1); c.1671dup, p.Asp559fs (NM_001407470.1, NM_001354906.2); c.1368dup, p.Asp458fs (NM_001407471.1, NM_001407472.1); and 11 more; short protein forms D458fs, D559fs, D682fs, D713fs, D716fs, D741fs, D751fs, D759fs.
Identifiers: ClinVar variation 4533198 (VCV004533198.1).

ClinVar aggregate classification (germline): Likely pathogenic (1 of 4 stars; one submission).

Conditions:
Familial adenomatous polyposis 1 (FAP1). Also called: FAMILIAL ADENOMATOUS POLYPOSIS 1, ATTENUATED; POLYPOSIS, ADENOMATOUS INTESTINAL. Identifiers: MedGen C2713442, MONDO:0021056, OMIM 175100. Disease mechanism: loss of function.

Submission:

Programa de cancer hereditario, Instituto de medicina traslacional e ingenieria biomedica, Hospital Italiano de Buenos Aires
Classification: Likely pathogenic for Familial adenomatous polyposis 1. Last evaluated: 2025-11-01. Review status: criteria provided, single submitter. Criteria: Yin et al. (Am J Hum Genet. 2024). Collection method: research. Allele origin: germline. Affected: yes. Observed: 1 variant allele, 1 heterozygote.
Comment: Evaluation following ClinGen Hereditary Cancer VCEP guidelines identifies this variant as Likely Pathogenic. Criteria met: PVS1: Null variant (nonsense, frameshift, canonical ±1 or 2 splice sites, initiation codon, single or multi-exon deletion) in a gene where LOF is a known mechanism of disease. PM2 (Supporting): Absent from controls (or at extremely low frequency) in ExAC, gnomAD, or 1000 Genomes.